The following is an entry in ClinVar:

ClinVar aggregate classification (germline): Uncertain significance (1 of 4 stars; one submission).

Conditions:
Emery-Dreifuss muscular dystrophy 4, autosomal dominant (EDMD4). Also called: EMERY-DREIFUSS MUSCULAR DYSTROPHY 4 WITH VARIABLE FEATURES. Identifiers: Orphanet 261, MedGen C2751807, MONDO:0013071, OMIM 612998.
Autosomal recessive ataxia, Beauce type. Also called: Spinocerebellar ataxia, autosomal recessive 8; SYNE1-Related Autosomal Recessive Cerebellar Ataxia; ATAXIA, RECESSIVE, OF BEAUCE; SYNE1 Deficiency. Identifiers: Orphanet 88644, MedGen C1853116, MONDO:0012549, OMIM 610743.

Submission:

Labcorp Genetics (formerly Invitae), Labcorp
Classification: Uncertain significance for Emery-Dreifuss muscular dystrophy 4, autosomal dominant; Autosomal recessive ataxia, Beauce type. Last evaluated: 2017-04-10. Review status: criteria provided, single submitter. Criteria: Invitae Variant Classification Sherloc (09022015). Collection method: clinical testing. Allele origin: germline.
Comment: This sequence change replaces serine with tyrosine at codon 8688 of the SYNE1 protein (p.Ser8688Tyr). The serine residue is moderately conserved and there is a large physicochemical difference between serine and tyrosine. This variant is not present in population databases (ExAC no frequency) and has not been reported in the literature in individuals with a SYNE1-related disease. Algorithms developed to predict the effect of missense changes on protein structure and function do not agree on the potential impact of this missense change (SIFT: "Tolerated"; PolyPhen-2: "Benign"; Align-GVGD: "Class C0"). In summary, this variant is a novel missense change with uncertain impact on protein function. It has been classified as a Variant of Uncertain Significance.

NM_182961.4(SYNE1):c.26207C>A (p.Ser8736Tyr)

Genes: ESR1 (estrogen receptor 1; plus strand), SYNE1 (spectrin repeat containing nuclear envelope protein 1; minus strand). Cytogenetic location: 6q25.2.
Variant type: single nucleotide variant.
Coding change: c.26207C>A on transcript NM_182961.4 (MANE Select); coding-DNA position 26207, C replaced by A.
Protein change: p.Ser8736Tyr; replaces serine 8736 with tyrosine.
Molecular consequence: missense variant. On other transcripts: 3 prime UTR variant (1), intron variant (1).
Genome position (GRCh38, 1-based): chr6:152,122,623, G>T on the plus strand (C>A on the coding strand, the complement: SYNE1 is on the minus strand). VCF-style: chr6-152122623-G-T. GRCh37 (hg19) VCF-style: chr6-152443758-G-T.
Other names: c.*18C>A (NM_001347701.2); c.2741C>A, p.Ser914Tyr (NM_001347702.2); c.26063C>A, p.Ser8688Tyr (NM_033071.5); c.851-2643G>T (NM_001328100.2); short protein forms S8736Y, S8688Y, S914Y.
Identifiers: ClinVar variation 471041 (VCV000471041.10), dbSNP rs1258213221, ClinGen allele CA366089139.